The following is an entry in ClinVar:

NM_001042492.3(NF1):c.5444del (p.Gln1815fs)

Gene: NF1 (neurofibromin 1; plus strand). Cytogenetic location: 17q11.2.
Variant type: Deletion.
Coding change: c.5444del on transcript NM_001042492.3 (MANE Select); coding-DNA position 5444, one base deleted (A; older notation c.5444delA).
Protein change: p.Gln1815fs; shifts the reading frame from glutamine 1815.
Molecular consequence: frameshift variant.
Genome position (GRCh38, 1-based): chr17:31,327,674, A deleted. VCF-style (leftmost placement, unchanged base first): chr17-31327673-CA-C. GRCh37 (hg19) VCF-style: chr17-29654691-CA-C.
Other names: c.5381del, p.Gln1794fs (NM_000267.4); short protein forms Q1794fs, Q1815fs.
Identifiers: ClinVar variation 4874873 (VCV004874873.2).

ClinVar aggregate classification (germline): Pathogenic (1 of 4 stars; one submission).

Submission:

CeGaT Center for Human Genetics Tuebingen
Classification: Pathogenic. Last evaluated: 2026-05-01. Review status: criteria provided, single submitter. Criteria: CeGaT Center For Human Genetics Tuebingen Variant Classification Criteria Version 2. Collection method: clinical testing. Allele origin: germline. Affected: yes. Observed: 1 variant allele.
Comment: NF1: PVS1, PM2